The following is an entry in ClinVar:

ClinVar aggregate classification (germline): Pathogenic (1 of 4 stars; one submission).

Conditions:
Osteogenesis imperfecta type I (OI1). Also called: OI, TYPE I; OSTEOGENESIS IMPERFECTA TARDA; OSTEOGENESIS IMPERFECTA WITH BLUE SCLERAE; Osteogenesis imperfecta type 1; Lobstein's Disease; Lobstein disease. Identifiers: Orphanet 216796, Orphanet 666, MedGen C0023931, MONDO:0008146, OMIM 166200. Disease mechanism: loss of function.

Submission:

Laboratory of Genetic Skeletal Anomaly, Seoul National University Children's Hospital
Classification: Pathogenic for Osteogenesis imperfecta type I. Last evaluated: 2025-03-01. Review status: criteria provided, single submitter. Criteria: ACMG Guidelines, 2015. Collection method: research. Allele origin: germline. Affected: yes.
Comment: This variant is a novel variant not previously reported in the literature or population databases. It was classified based on available in silico predictions and absence from gnomAD.

NM_000088.4(COL1A1):c.993dup (p.Gly332fs)

Gene: COL1A1 (collagen type I alpha 1 chain; minus strand). Cytogenetic location: 17q21.33.
Variant type: Duplication.
Coding change: c.993dup on transcript NM_000088.4 (MANE Select); coding-DNA position 993, one base duplicated (C; older notation c.993dupC).
Protein change: p.Gly332fs; shifts the reading frame from glycine 332.
Molecular consequence: frameshift variant.
Genome position (GRCh38, 1-based): chr17:50,196,164, G duplicated on the plus strand (C on the coding strand, the reverse complement: COL1A1 is on the minus strand); the first of 2 consecutive G bases (chr17:50,196,164-50,196,165); duplicating either gives the same sequence. VCF-style (leftmost placement, unchanged base first): chr17-50196163-C-CG. GRCh37 (hg19) VCF-style: chr17-48273524-C-CG.
Other names: short protein forms G332fs.
Identifiers: ClinVar variation 4280683 (VCV004280683.1).